The following is an entry in ClinVar:

NM_000274.4(OAT):c.576del (p.Ser193fs)

Gene: OAT (ornithine aminotransferase; minus strand). Cytogenetic location: 10q26.13.
Variant type: Deletion.
Coding change: c.576del on transcript NM_000274.4 (MANE Select); coding-DNA position 576, one base deleted (C; older notation c.576delC).
Protein change: p.Ser193fs; shifts the reading frame from serine 193.
Molecular consequence: frameshift variant. On other transcripts: 5 prime UTR variant (1).
Genome position (GRCh38, 1-based): chr10:124,405,508, G deleted on the plus strand (C on the coding strand, the reverse complement: OAT is on the minus strand); the first of 2 consecutive G bases (chr10:124,405,508-124,405,509); deleting either gives the same sequence. VCF-style (leftmost placement, unchanged base first): chr10-124405507-TG-T. GRCh37 (hg19) VCF-style: chr10-126094076-TG-T.
Other names: c.162del, p.Ser55fs (NM_001171814.2); c.576del, p.Ser193fs (NM_001322965.2, NM_001322966.2, NM_001322967.2 and 3 more transcripts); c.255del, p.Ser86fs (NM_001322971.2); c.-25del (NM_001322974.2); short protein forms S193fs, S55fs, S86fs.
Identifiers: ClinVar variation 1076328 (VCV001076328.7), dbSNP rs2134465433, ClinGen allele CA2499220187.
Genomic context (GRCh38, chr10:124,405,507, plus strand): 5'-GCAGATCATTATAGGGAATGATGTCGAATCCCGGCATAAATGGTCCAAAACCATCGTAAC[TG>T]GTTGGGTCTGTGGAACTGGAGATAGCAGACAACGTCCTACCCCAGAAGTTCCCAGCTACA-3'

ClinVar aggregate classification (germline): Pathogenic (1 of 4 stars; one submission).

Conditions:
Ornithine aminotransferase deficiency (GACR). Also called: OAT DEFICIENCY; OKT DEFICIENCY; HYPERORNITHINEMIA WITH GYRATE ATROPHY OF CHOROID AND RETINA; Ornithine ketoacid aminotransferase deficiency; Gyrate atrophy; Gyrate atrophy of choroid and retina. Identifiers: Orphanet 414, MedGen C0018425, MONDO:0009796, OMIM 258870.

Submission:

Labcorp Genetics (formerly Invitae), Labcorp
Classification: Pathogenic for Ornithine aminotransferase deficiency. Last evaluated: 2020-09-05. Review status: criteria provided, single submitter. Criteria: Invitae Variant Classification Sherloc (09022015). Collection method: clinical testing. Allele origin: germline.
Comment: This sequence change creates a premature translational stop signal (p.Ser193Valfs*37) in the OAT gene. It is expected to result in an absent or disrupted protein product. This variant is not present in population databases (ExAC no frequency). This variant has not been reported in the literature in individuals with OAT-related conditions. Loss-of-function variants in OAT are known to be pathogenic (PMID: 1737786, 23076989). For these reasons, this variant has been classified as Pathogenic.

Literature cited by the submitters: PubMed 1737786; PubMed 23076989.